The following is an entry in ClinVar:

ClinVar aggregate classification (germline): Uncertain significance (1 of 4 stars; one submission).

Allele frequency attached by ClinVar (database versions not stated): gnomAD exomes below 0.00001 and 0.00002; gnomAD 0.00001; 1000 Genomes Project 30x 0.00016; 1000 Genomes Project 0.00020.

Submission:

Labcorp Genetics (formerly Invitae), Labcorp
Classification: Uncertain significance. Last evaluated: 2025-04-17. Review status: criteria provided, single submitter. Criteria: Invitae Variant Classification Sherloc (09022015). Collection method: clinical testing. Allele origin: germline.
Comment: This sequence change replaces histidine, which is basic and polar, with glutamine, which is neutral and polar, at codon 487 of the RELA protein (p.His487Gln). This variant is present in population databases (rs546654982, gnomAD 0.03%). This variant has not been reported in the literature in individuals affected with RELA-related conditions. ClinVar contains an entry for this variant (Variation ID: 1497508). An algorithm developed to predict the effect of missense changes on protein structure and function (PolyPhen-2) suggests that this variant is likely to be tolerated. In summary, the available evidence is currently insufficient to determine the role of this variant in disease. Therefore, it has been classified as a Variant of Uncertain Significance.

NM_021975.4(RELA):c.1461C>A (p.His487Gln)

Gene: RELA (RELA proto-oncogene, NF-kB subunit; minus strand). Cytogenetic location: 11q13.1.
Variant type: single nucleotide variant.
Coding change: c.1461C>A on transcript NM_021975.4 (MANE Select); coding-DNA position 1461, C replaced by A.
Protein change: p.His487Gln; replaces histidine 487 with glutamine.
Molecular consequence: missense variant. On other transcripts: intron variant (1).
Genome position (GRCh38, 1-based): chr11:65,654,573, G>T on the plus strand (C>A on the coding strand, the complement: RELA is on the minus strand). VCF-style: chr11-65654573-G-T. GRCh37 (hg19) VCF-style: chr11-65422044-G-T.
Other names: c.1452C>A, p.His484Gln (NM_001145138.2); c.1254C>A, p.His418Gln (NM_001243984.2); c.1216-64C>A (NM_001243985.2); short protein forms H484Q, H487Q, H418Q.
Identifiers: ClinVar variation 1497508 (VCV001497508.8), dbSNP rs546654982, ClinGen allele CA224005622.